The following is an entry in ClinVar:

NM_024675.4(PALB2):c.1050_1053del (p.Thr351fs)

Gene: PALB2 (partner and localizer of BRCA2; minus strand). Cytogenetic location: 16p12.2.
Variant type: Deletion.
Coding change: c.1050_1053del on transcript NM_024675.4 (MANE Select); coding-DNA positions 1050 to 1053, 4 bases deleted (AACA; older notation c.1050_1053delAACA).
Protein change: p.Thr351fs; shifts the reading frame from threonine 351.
Molecular consequence: frameshift variant.
Genome position (GRCh38, 1-based): chr16:23,635,493-23,635,496, TGTT deleted on the plus strand (AACA on the coding strand, the reverse complement: PALB2 is on the minus strand); deleting any 4 consecutive bases within chr16:23,635,493-23,635,498 gives the same sequence; the c. name uses the placement nearest the transcript's 3' end. VCF-style (leftmost placement, unchanged base first): chr16-23635492-CTGTT-C. GRCh37 (hg19) VCF-style: chr16-23646813-CTGTT-C.
Other names: c.1050_1053delAACA (NM_024675.3, NM_024675.4); short protein forms T351fs.
Identifiers: ClinVar variation 126586 (VCV000126586.34), dbSNP rs515726060, ClinGen allele CA151218.
Genomic context (GRCh38, chr16:23,635,492, plus strand): 5'-TTTCCTGAAGATTTTCATTCCTGCCATCAAGAGTGTCACTGGGAGATTTTAAAGATTTCT[CTGTT>C]TGATTTTGTTCTTTTAAGTTTTGGTTTTCATTTGCTGGTAAGTTATTGTAGGTGAGTTCA-3'

ClinVar aggregate classification (germline): Pathogenic. Review status: criteria provided, multiple submitters, no conflicts (2 of 4 stars). 14 submissions from 14 submitters: Pathogenic (12). 2 of the submissions do not count toward it. Last evaluated 2025-12-29.

Conditions:
Hereditary cancer-predisposing syndrome. Also called: Tumor predisposition; Hereditary neoplastic syndrome; Neoplastic Syndromes, Hereditary; Hereditary Cancer Syndrome. Identifiers: Orphanet 140162, MedGen C0027672, MeSH D009386, MONDO:0015356.
PALB2-related disorder. Also called: PALB2-related disorders; PALB2-related condition.
Familial cancer of breast. Also called: hereditary breast carcinoma; Hereditary breast cancer; BREAST CANCER, FAMILIAL. Identifiers: Orphanet 227535, MedGen C0346153, MONDO:0016419, OMIM 114480. Disease mechanism: loss of function.
Pancreatic cancer, susceptibility to, 3. Identifiers: Orphanet 1333, MedGen C3150547, MONDO:0013236, OMIM 613348.
Fanconi anemia complementation group N. Also called: PALB2-Related Fanconi Anemia. Identifiers: Orphanet 84, MedGen C1835817, MONDO:0012565, OMIM 610832. Disease mechanism: loss of function.
Malignant tumor of breast. Also called: Malignant breast neoplasm; Cancer breast. Identifiers: MedGen C0006142, MONDO:0007254. Disease mechanism: loss of function.

Submissions (14):

Center for Genomic Medicine, Rigshospitalet, Copenhagen University Hospital
Classification: Pathogenic. Last evaluated: 2025-12-29. Review status: criteria provided, single submitter. Criteria: ACMG Guidelines, 2015. Collection method: clinical testing. Allele origin: germline.
Comment: Classification criteria: PVS1, PM2_supporting, PM5_supporting

Labcorp Genetics (formerly Invitae), Labcorp
Classification: Pathogenic for Familial cancer of breast. Last evaluated: 2025-08-09. Review status: criteria provided, single submitter. Criteria: Invitae Variant Classification Sherloc (09022015). Collection method: clinical testing. Allele origin: germline.
Comment: This sequence change creates a premature translational stop signal (p.Thr351Argfs*4) in the PALB2 gene. It is expected to result in an absent or disrupted protein product. Loss-of-function variants in PALB2 are known to be pathogenic (PMID: 17200668, 17200671, 17200672, 24136930, 25099575). This variant is present in population databases (no rsID available, gnomAD 0.007%). This premature translational stop signal has been observed in individual(s) with breast cancer and ovarian cancer (PMID: 22006311, 23977390). ClinVar contains an entry for this variant (Variation ID: 126586). For these reasons, this variant has been classified as Pathogenic.

Ambry Genetics
Classification: Pathogenic for Hereditary cancer-predisposing syndrome. Last evaluated: 2025-03-11. Review status: criteria provided, single submitter. Criteria: Ambry Variant Classification Scheme 2023. Collection method: clinical testing. Allele origin: germline.
Comment: The c.1050_1053delAACA pathogenic mutation, located in coding exon 4 of the PALB2 gene, results from a deletion of 4 nucleotides at nucleotide positions 1050 to 1053, causing a translational frameshift with a predicted alternate stop codon (p.T351Rfs*4). This alteration has been identified in multiple individuals diagnosed with breast and/or ovarian cancer (Walsh T et al. Proc. Natl. Acad. Sci. U.S.A. 2011 Nov;108:18032-7; Phuah SY et al. PLoS ONE. 2013;8:e73638; Pennington KP et al. Clin. Cancer Res. 2014 Feb;20:764-75). It was also identified in an individual diagnosed with prostate cancer (Isaacsson Velho P et al. Prostate. 2018 Apr;78(5):401-407). Of note, this alteration is also known as c.1050delAACA in published literature. In addition to the clinical data presented in the literature, this alteration is expected to result in loss of function by premature protein truncation or nonsense-mediated mRNA decay. As such, this alteration is interpreted as a disease-causing mutation.

Molecular Pathology, Peter Maccallum Cancer Centre
Classification: Pathogenic for Familial cancer of breast. Last evaluated: 2025-03-11. Review status: criteria provided, single submitter. Criteria: ACMG Guidelines, 2015. Collection method: clinical testing. Allele origin: germline. Inheritance: Autosomal dominant inheritance.

Blueprint Genetics
Classification: Pathogenic for PALB2-related disorders. Last evaluated: 2024-02-16. Review status: criteria provided, single submitter. Criteria: ACMG Guidelines, 2015. Collection method: clinical testing. Allele origin: germline. Affected: yes. Observed: 2 variant alleles.

Color Diagnostics, LLC DBA Color Health
Classification: Pathogenic for Hereditary cancer-predisposing syndrome. Last evaluated: 2023-10-31. Review status: criteria provided, single submitter. Criteria: ACMG Guidelines, 2015. Collection method: clinical testing. Allele origin: germline.
Comment: This variant deletes 4 nucleotides in exon 4 of the PALB2 gene, creating a frameshift and premature translation stop signal. This variant is expected to result in an absent or non-functional protein product. This variant has been reported in at least two individuals and families affected with breast cancer (PMID: 23977390, 31841383) and one individual each affected with ovarian cancer (PMID: 22006311, 24240112, 26720728) and prostate cancer (PMID: 29368341). This variant has been identified in 2/251298 chromosomes in the general population by the Genome Aggregation Database (gnomAD). Loss of PALB2 function is a known mechanism of disease. Based on the available evidence, this variant is classified as Pathogenic.

Myriad Genetics, Inc.
Classification: Pathogenic for Familial cancer of breast. Last evaluated: 2023-04-03. Review status: criteria provided, single submitter. Criteria: Myriad Autosomal Dominant, Autosomal Recessive and X-Linked Classification Criteria (2023). Collection method: clinical testing. Allele origin: unknown.
Comment: This variant is considered pathogenic. This variant creates a frameshift predicted to result in premature protein truncation.

Baylor Genetics
Classification: Pathogenic for Familial cancer of breast. Last evaluated: 2022-12-06. Review status: criteria provided, single submitter. Criteria: ACMG Guidelines, 2015. Collection method: clinical testing. Allele origin: unknown.

Fulgent Genetics
Classification: Pathogenic for Familial cancer of breast; Fanconi anemia complementation group N; Pancreatic cancer, susceptibility to, 3. Last evaluated: 2021-08-09. Review status: criteria provided, single submitter. Criteria: ACMG Guidelines, 2015. Collection method: clinical testing. Allele origin: unknown.

GeneDx
Classification: Pathogenic. Last evaluated: 2021-06-07. Review status: criteria provided, single submitter. Criteria: GeneDx Variant Classification Process June 2021. Collection method: clinical testing. Allele origin: germline. Affected: yes.
Comment: Frameshift variant predicted to result in protein truncation or nonsense mediated decay in a gene for which loss-of-function is a known mechanism of disease; Not observed at significant frequency in large population cohorts (Lek et al., 2016); Observed in individuals with a personal or family history consistent with pathogenic variants in this gene (Walsh 2011, Phuah 2013, Pennington 2014, Isaacsson 2018, Fanale 2020, Yang 2020); This variant is associated with the following publications: (PMID: 22692731, 22006311, 23977390, 24240112, 24870022, 27535533, 29368341, 32854451, 31841383)

Sema4
Classification: Pathogenic for Hereditary cancer-predisposing syndrome. Last evaluated: 2021-04-20. Review status: criteria provided, single submitter. Criteria: Sema4 Curation Guidelines. Collection method: curation. Allele origin: germline.
Comment: The PALB2 c.1050_1053delAACA p.T351RfsX4 variant has been reported in heterozygosity in at least 3 individuals with Ovarian Cancer, Breast Cancer, and Prostate Cancer (PMID: 22006311, 29368341, 23977390). This variant causes a frameshift at amino acid 353 that results in premature termination 4 amino acids downstream. At this location, this is predicted to cause nonsense-mediated decay and result in an absent protein (loss of function). This variant was observed in 1/16238 chromosomes in the African/African American population, with 0 homozygotes, according to the Genome Aggregation Database. The variant has been reported in ClinVar (Variation ID 126586). Based on the current evidence available, this variant is interpreted as pathogenic.

Women's Health and Genetics/Laboratory Corporation of America, LabCorp
Classification: Pathogenic for breast cancer. Last evaluated: 2020-09-14. Review status: criteria provided, single submitter. Criteria: LabCorp Variant Classification Summary - May 2015. Collection method: clinical testing. Allele origin: germline.
Comment: Variant summary: PALB2 c.1050_1053delAACA (p.Thr351ArgfsX4) results in a premature termination codon, predicted to cause a truncation of the encoded protein or absence of the protein due to nonsense mediated decay, which are commonly known mechanisms for disease. Truncations downstream of this position have been classified as pathogenic by our laboratory. The variant allele was found at a frequency of 8e-06 in 251298 control chromosomes (gnomAD). c.1050_1053delAACA has been reported in the literature in individuals affected with breast cancer, ovarian cancer and prostate cancer (e.g. Walsh_2011, Phuah_2013, Isaacsson Velho_2018, Yang_2020). These data indicate that the variant is likely to be associated with disease. Six ClinVar submitters (evaluation after 2014) cite the variant as pathogenic. Based on the evidence outlined above, the variant was classified as pathogenic.

Leiden Open Variation Database
Classification: Pathogenic. Last evaluated: 2019-05-13. Review status: no assertion criteria provided. Collection method: curation. Allele origin: germline. Affected: yes. Not counted in ClinVar's aggregate classification.
Comment: Curators: Marc Tischkowitz, Arleen D. Auerbach. Submitter to LOVD: Marc Tischkowitz.

Counsyl
Classification: Pathogenic for Familial cancer of breast. Last evaluated: 2017-02-03. Review status: no assertion criteria provided. Collection method: clinical testing. Allele origin: unknown. Not counted in ClinVar's aggregate classification.

Literature cited by the submitters: PubMed 31841383 (cited by 3 submitters); PubMed 24240112 (cited by 4 submitters); PubMed 17200668 (cited by Labcorp Genetics (formerly Invitae), Labcorp); PubMed 17200671 (cited by Labcorp Genetics (formerly Invitae), Labcorp); PubMed 17200672 (cited by Labcorp Genetics (formerly Invitae), Labcorp); PubMed 24136930 (cited by Labcorp Genetics (formerly Invitae), Labcorp); PubMed 25099575 (cited by Labcorp Genetics (formerly Invitae), Labcorp); PubMed 22006311 (cited by 6 submitters); PubMed 23977390 (cited by 7 submitters); PubMed 29368341 (cited by 4 submitters); PubMed 26720728 (cited by Color Diagnostics, LLC DBA Color Health and Counsyl).